The following is an entry in ClinVar:

ClinVar aggregate classification (germline): Uncertain significance. Review status: criteria provided, multiple submitters, no conflicts (2 of 4 stars). 2 submissions from 2 submitters: Uncertain significance (2). Last evaluated 2026-04-18.

gnomAD v4.1: 10 of 1,613,656 alleles (0.00062%); highest among the groups gnomAD compares: Non-Finnish European, 0.00068%; no homozygotes.

Submissions (2):

GeneDx
Classification: Uncertain significance. Last evaluated: 2026-04-18. Review status: criteria provided, single submitter. Criteria: GeneDx Variant Classification Process June 2021. Collection method: clinical testing. Allele origin: germline.
Comment: Not observed at significant frequency in large population cohorts (gnomAD); In silico analysis supports that this missense variant has a deleterious effect on protein structure/function; In silico analysis is inconclusive as to whether the variant alters gene splicing. In the absence of RNA/functional studies, the actual effect of this sequence change is unknown.; Has not been previously published as pathogenic or benign to our knowledge; This variant is associated with the following publications: (PMID: 2948190, 29481902)

Center for Genomic Medicine, Rigshospitalet, Copenhagen University Hospital
Classification: Uncertain significance. Last evaluated: 2025-03-04. Review status: criteria provided, single submitter. Criteria: ACMG Guidelines, 2015. Collection method: clinical testing. Allele origin: germline.

Literature cited by the submitters: PubMed 2948190 (cited by Center for Genomic Medicine, Rigshospitalet, Copenhagen University Hospital).

NM_000043.6(FAS):c.335G>C (p.Gly112Ala)

Gene: FAS (Fas cell surface death receptor; plus strand). Cytogenetic location: 10q23.31.
Variant type: single nucleotide variant.
Coding change: c.335G>C on transcript NM_000043.6 (MANE Select); coding-DNA position 335, G replaced by C.
Protein change: p.Gly112Ala; replaces glycine 112 with alanine.
Molecular consequence: missense variant. On other transcripts: non-coding transcript variant (1).
Genome position (GRCh38, 1-based): chr10:89,008,889, G>C. VCF-style: chr10-89008889-G-C. GRCh37 (hg19) VCF-style: chr10-90768646-G-C.
Other names: c.335G>C, p.Gly112Ala (NM_001320619.2, NM_152871.4, NM_152872.4); c.380G>C, p.Gly127Ala (NM_001410956.1); short protein forms G112A, G127A.
Identifiers: ClinVar variation 3256504 (VCV003256504.3).